The following is an entry in ClinVar:

ClinVar aggregate classification (germline): Uncertain significance. Review status: criteria provided, multiple submitters, no conflicts (2 of 4 stars). 6 submissions from 6 submitters: Uncertain significance (6). Last evaluated 2025-12-17.

Conditions:
Aortic aneurysm, familial thoracic 4 (AAT4). Also called: AORTIC ANEURYSM/AORTIC DISSECTION AND PATENT DUCTUS ARTERIOSUS. Identifiers: MedGen C1851504, MONDO:0007568, OMIM 132900.
Visceral myopathy 2. Identifiers: MedGen C5543466, MONDO:0859157, OMIM 619350.
Familial thoracic aortic aneurysm and aortic dissection (TAAD). Also called: Thoracic aortic aneurysms and dissections. Identifiers: Orphanet 91387, MedGen C4707243, MONDO:0019625.

Allele frequency attached by ClinVar (database versions not stated): TOPMed 0.00003.
gnomAD v4.1: 20 of 1,614,074 alleles (0.0012%); highest among the groups gnomAD compares: Non-Finnish European, 0.0016%; no homozygotes.

Submissions (6):

Labcorp Genetics (formerly Invitae), Labcorp
Classification: Uncertain significance for Aortic aneurysm, familial thoracic 4. Last evaluated: 2025-12-17. Review status: criteria provided, single submitter. Criteria: Invitae Variant Classification Sherloc (09022015). Collection method: clinical testing. Allele origin: germline.
Comment: This sequence change replaces serine, which is neutral and polar, with arginine, which is basic and polar, at codon 1691 of the MYH11 protein (p.Ser1691Arg). This variant is present in population databases (rs760908992, gnomAD 0.003%). This variant has not been reported in the literature in individuals affected with MYH11-related conditions. ClinVar contains an entry for this variant (Variation ID: 218495). Invitae Evidence Modeling of protein sequence and biophysical properties (such as structural, functional, and spatial information, amino acid conservation, physicochemical variation, residue mobility, and thermodynamic stability) indicates that this missense variant is not expected to disrupt MYH11 protein function with a negative predictive value of 95%. In summary, the available evidence is currently insufficient to determine the role of this variant in disease. Therefore, it has been classified as a Variant of Uncertain Significance.

GeneDx
Classification: Uncertain significance. Last evaluated: 2024-12-16. Review status: criteria provided, single submitter. Criteria: GeneDx Variant Classification Process June 2021. Collection method: clinical testing. Allele origin: germline. Affected: yes.
Comment: Not observed at significant frequency in large population cohorts (gnomAD); In silico analysis supports that this missense variant has a deleterious effect on protein structure/function; Has not been previously published as pathogenic or benign to our knowledge

Color Diagnostics, LLC DBA Color Health
Classification: Uncertain significance for Familial thoracic aortic aneurysm and aortic dissection. Last evaluated: 2024-04-01. Review status: criteria provided, single submitter. Criteria: ACMG Guidelines, 2015. Collection method: clinical testing. Allele origin: germline.
Comment: This missense variant replaces serine with arginine at codon 1691 of the MYH11 protein. Computational prediction tools indicate that this variant's impact on protein structure and function is inconclusive. To our knowledge, functional studies have not been reported for this variant. This variant has not been reported in individuals affected with MYH11-related disorders in the literature. This variant has been identified in 4/251486 chromosomes in the general population by the Genome Aggregation Database (gnomAD). The available evidence is insufficient to determine the role of this variant in disease conclusively. Therefore, this variant is classified as a Variant of Uncertain Significance.

New York Genome Center
Classification: Uncertain significance for Aortic aneurysm, familial thoracic 4; Visceral myopathy 2. Last evaluated: 2023-05-10. Review status: criteria provided, single submitter. Criteria: NYGC Assertion Criteria 2020. Collection method: clinical testing. Allele origin: inherited. Observed: 1 heterozygote.

ARUP Laboratories, Molecular Genetics and Genomics, ARUP Laboratories
Classification: Uncertain significance. Last evaluated: 2018-01-28. Review status: criteria provided, single submitter. Criteria: ARUP Molecular Germline Variant Investigation Process. Collection method: clinical testing. Allele origin: germline.
Comment: The MYH11 c.5052C>G p.Ser1684Arg variant (rs760908992), to our knowledge, is not reported in the medical literature, gene specific variation databases, nor has it been previously identified by our laboratory. This variant is listed in the genome Aggregation Database (gnomAD) with an overall population frequency of 0.001% (identified on 3 out of 246,262 chromosomes). The serine at position 1684 is highly conserved considering 13 species (Alamut software v.2.10.0) and computational analyses of the effects of the p.Ser1684Arg variant on protein structure and function predict an effect (SIFT: damaging, MutationTaster: disease causing, PolyPhen-2: possibly damaging). Based on all the available evidence, the clinical significance of the p.Ser1684Arg variant cannot be determined with certainty.

Genomic Diagnostic Laboratory, Division of Genomic Diagnostics, Children's Hospital of Philadelphia
Classification: Uncertain significance for Aortic aneurysm, familial thoracic 4. Last evaluated: 2015-03-06. Review status: criteria provided, single submitter. Criteria: DGD Variant Analysis Guidelines. Collection method: clinical testing. Allele origin: unknown.

NM_002474.3(MYH11):c.5052C>G (p.Ser1684Arg)

Genes: NDE1 (nudE neurodevelopment protein 1; plus strand), MYH11 (myosin heavy chain 11; minus strand). Cytogenetic location: 16p13.11.
Variant type: single nucleotide variant.
Coding change: c.5052C>G on transcript NM_002474.3 (MANE Select); coding-DNA position 5052, C replaced by G.
Protein change: p.Ser1684Arg; replaces serine 1684 with arginine.
Molecular consequence: missense variant. On other transcripts: intron variant (2).
Genome position (GRCh38, 1-based): chr16:15,719,615, G>C on the plus strand (C>G on the coding strand, the complement: MYH11 is on the minus strand). VCF-style: chr16-15719615-G-C. GRCh37 (hg19) VCF-style: chr16-15813472-G-C.
Other names: c.5073C>G, p.Ser1691Arg (NM_001040113.2, NM_001040114.2); c.5052C>G, p.Ser1684Arg (NM_022844.3); c.948-4576G>C (NM_001143979.2, NM_017668.3); short protein forms S1691R, S1684R.
Identifiers: ClinVar variation 218495 (VCV000218495.20), dbSNP rs760908992, ClinGen allele CA277873.
Genomic context (GRCh38, chr16:15,719,615, plus strand): 5'-TGAGGCTCTCCTAGCAAGGCGAGGCTTTACCTCTTGTAGCTGCATGAGGTCTGCTTCCAA[G>C]CTCTTGGCTTTCTTCTCATTCTCTTTGGCTGTGGCAAAGATCTCATCTCTGGAGGCACGG-3'
Protein context (NP_002465.1, residues 1674-1694): TAKENEKKAK[Ser1684Arg]LEADLMQLQE